The following is an entry in ClinVar:

ClinVar aggregate classification (germline): Uncertain significance (1 of 4 stars; one submission).

Conditions:
Myasthenic syndrome, congenital, 22 (CMS22). Also called: PREPL DEFICIENCY. Identifiers: MedGen C4479088, MONDO:0044299, OMIM 616224.

Submission:

Labcorp Genetics (formerly Invitae), Labcorp
Classification: Uncertain significance for Myasthenic syndrome, congenital, 22. Last evaluated: 2021-08-31. Review status: criteria provided, single submitter. Criteria: Invitae Variant Classification Sherloc (09022015). Collection method: clinical testing. Allele origin: germline.
Comment: This sequence change replaces glutamic acid with glycine at codon 430 of the PREPL protein (p.Glu430Gly). The glutamic acid residue is moderately conserved and there is a moderate physicochemical difference between glutamic acid and glycine. This variant is not present in population databases (ExAC no frequency). This variant has not been reported in the literature in individuals affected with PREPL-related conditions. Algorithms developed to predict the effect of missense changes on protein structure and function are either unavailable or do not agree on the potential impact of this missense change (SIFT: "Deleterious"; PolyPhen-2: "Benign"; Align-GVGD: "Class C0"). In summary, the available evidence is currently insufficient to determine the role of this variant in disease. Therefore, it has been classified as a Variant of Uncertain Significance.

NM_001171613.2(PREPL):c.1022A>G (p.Glu341Gly)

Gene: PREPL (prolyl endopeptidase like; minus strand). Cytogenetic location: 2p21.
Variant type: single nucleotide variant.
Coding change: c.1022A>G on transcript NM_001171613.2 (MANE Select); coding-DNA position 1022, A replaced by G.
Protein change: p.Glu341Gly; replaces glutamic acid 341 with glycine.
Molecular consequence: missense variant. On other transcripts: intron variant (1).
Genome position (GRCh38, 1-based): chr2:44,332,523, T>C on the plus strand (A>G on the coding strand, the complement: PREPL is on the minus strand). VCF-style: chr2-44332523-T-C. GRCh37 (hg19) VCF-style: chr2-44559662-T-C.
Other names: c.1289A>G, p.Glu430Gly (NM_006036.4, NM_001171603.1, NM_001171606.2 and 2 more transcripts); c.1103A>G, p.Glu368Gly (NM_001042385.2); c.1022A>G, p.Glu341Gly (NM_001171617.1, NM_001374277.1); c.1156-3411A>G (NM_001042386.2); short protein forms E341G, E368G, E430G.
Identifiers: ClinVar variation 934206 (VCV000934206.7), dbSNP rs1674225235, ClinGen allele CA346691065.